The following is an entry in ClinVar:

ClinVar aggregate classification (germline): Uncertain significance (1 of 4 stars; one submission).

Conditions:
Ullrich congenital muscular dystrophy 2 (UCMD2). Identifiers: Orphanet 75840, MedGen C4225314, MONDO:0014654, OMIM 616470.
Bethlem myopathy 2 (BTHLM2). Identifiers: Orphanet 536516, Orphanet 610, MedGen C4225313, MONDO:0034022, OMIM 616471.

Allele frequency attached by ClinVar (database versions not stated): ExAC 0.00001.

Submission:

Labcorp Genetics (formerly Invitae), Labcorp
Classification: Uncertain significance for Bethlem myopathy 2; Ullrich congenital muscular dystrophy 2. Last evaluated: 2024-05-18. Review status: criteria provided, single submitter. Criteria: Invitae Variant Classification Sherloc (09022015). Collection method: clinical testing. Allele origin: germline.
Comment: This sequence change replaces serine, which is neutral and polar, with proline, which is neutral and non-polar, at codon 1101 of the COL12A1 protein (p.Ser1101Pro). This variant is present in population databases (rs763077644, gnomAD 0.006%). This variant has not been reported in the literature in individuals affected with COL12A1-related conditions. Advanced modeling of protein sequence and biophysical properties (such as structural, functional, and spatial information, amino acid conservation, physicochemical variation, residue mobility, and thermodynamic stability) performed at Invitae indicates that this missense variant is not expected to disrupt COL12A1 protein function with a negative predictive value of 80%. In summary, the available evidence is currently insufficient to determine the role of this variant in disease. Therefore, it has been classified as a Variant of Uncertain Significance.

NM_004370.6(COL12A1):c.3301T>C (p.Ser1101Pro)

Gene: COL12A1 (collagen type XII alpha 1 chain; minus strand). Cytogenetic location: 6q13.
Variant type: single nucleotide variant.
Coding change: c.3301T>C on transcript NM_004370.6 (MANE Select); coding-DNA position 3301, T replaced by C.
Protein change: p.Ser1101Pro; replaces serine 1101 with proline.
Molecular consequence: missense variant. On other transcripts: intron variant (2).
Genome position (GRCh38, 1-based): chr6:75,155,804, A>G on the plus strand (T>C on the coding strand, the complement: COL12A1 is on the minus strand). VCF-style: chr6-75155804-A-G. GRCh37 (hg19) VCF-style: chr6-75865520-A-G.
Other names: c.3301T>C, p.Ser1101Pro (NM_001424113.1, NM_001424114.1); c.3028T>C, p.Ser1010Pro (NM_001424115.1); c.74-3322T>C (NM_001424116.1, NM_080645.3); short protein forms S1010P, S1101P.
Identifiers: ClinVar variation 2930814 (VCV002930814.3), dbSNP rs763077644, ClinGen allele CA3893753.
Genomic context (GRCh38, chr6:75,155,804, plus strand): 5'-ATGTGACTTTATAACCCTTCACTTCCCCAGGGGCAGGCTCCCAAGTCACTCGGAAGCTTG[A>G]CATGGTTGGGTCAGATGTTTTGAGGTTTCTAGGAGACTTAAACCGAGAAGCTGTAAAGAC-3'
Protein context (NP_004361.3, residues 1091-1111): RNLKTSDPTM[Ser1101Pro]SFRVTWEPAP